The following is an entry in ClinVar:

NM_006035.4(CDC42BPB):c.4134C>T (p.Cys1378=)

Gene: CDC42BPB (CDC42 binding protein kinase beta; minus strand). Cytogenetic location: 14q32.32.
Variant type: single nucleotide variant.
Coding change: c.4134C>T on transcript NM_006035.4 (MANE Select); coding-DNA position 4134, C replaced by T.
Protein change: p.Cys1378=; no amino-acid change (cysteine 1378 retained).
Molecular consequence: synonymous variant.
Genome position (GRCh38, 1-based): chr14:102,944,165, G>A on the plus strand (C>T on the coding strand, the complement: CDC42BPB is on the minus strand). VCF-style: chr14-102944165-G-A. GRCh37 (hg19) VCF-style: chr14-103410502-G-A.
Other names: c.4056C>T, p.Cys1352= (NM_001411054.1).
Identifiers: ClinVar variation 5041421 (VCV005041421.1).

ClinVar aggregate classification (germline): Likely benign (1 of 4 stars; one submission).

gnomAD v4.1: 127 of 1,613,270 alleles (0.0079%); highest among the groups gnomAD compares: Admixed American, 0.21%; no homozygotes.

Submission:

CeGaT Center for Human Genetics Tuebingen
Classification: Likely benign. Last evaluated: 2026-09-01. Review status: criteria provided, single submitter. Criteria: CeGaT Center For Human Genetics Tuebingen Variant Classification Criteria Version 2. Collection method: clinical testing. Allele origin: germline. Affected: yes. Observed: 1 variant allele.
Comment: CDC42BPB: BP4, BP7